The following is an entry in ClinVar:

NM_002439.5(MSH3):c.1686G>T (p.Trp562Cys)

Gene: MSH3 (mutS homolog 3; plus strand). Cytogenetic location: 5q14.1.
Variant type: single nucleotide variant.
Coding change: c.1686G>T on transcript NM_002439.5 (MANE Select); coding-DNA position 1686, G replaced by T.
Protein change: p.Trp562Cys; replaces tryptophan 562 with cysteine.
Molecular consequence: missense variant.
Genome position (GRCh38, 1-based): chr5:80,744,538, G>T. VCF-style: chr5-80744538-G-T. GRCh37 (hg19) VCF-style: chr5-80040357-G-T.
Other names: short protein forms W562C.
Identifiers: ClinVar variation 3913608 (VCV003913608.1).

ClinVar aggregate classification (germline): Uncertain significance (1 of 4 stars; one submission).

Conditions:
Hereditary cancer-predisposing syndrome. Also called: Hereditary Cancer Syndrome; Hereditary neoplastic syndrome; Neoplastic Syndromes, Hereditary; Tumor predisposition. Identifiers: Orphanet 140162, MedGen C0027672, MeSH D009386, MONDO:0015356.

Submission:

Ambry Genetics
Classification: Uncertain significance for Hereditary cancer-predisposing syndrome. Last evaluated: 2025-03-26. Review status: criteria provided, single submitter. Criteria: Ambry Variant Classification Scheme 2023. Collection method: clinical testing. Allele origin: germline.
Comment: The p.W562C variant (also known as c.1686G>T), located in coding exon 12 of the MSH3 gene, results from a G to T substitution at nucleotide position 1686. The tryptophan at codon 562 is replaced by cysteine, an amino acid with highly dissimilar properties. This amino acid position is conserved. In addition, this alteration is predicted to be deleterious by in silico analysis. Based on the available evidence, the clinical significance of this variant remains unclear.